The following is an entry in ClinVar:

NM_001048174.2(MUTYH):c.1523A>C (p.His508Pro)

Gene: MUTYH (mutY DNA glycosylase; minus strand). Cytogenetic location: 1p34.1.
Variant type: single nucleotide variant.
Coding change: c.1523A>C on transcript NM_001048174.2 (MANE Select); coding-DNA position 1523, A replaced by C.
Protein change: p.His508Pro; replaces histidine 508 with proline.
Molecular consequence: missense variant. On other transcripts: non-coding transcript variant (7).
Genome position (GRCh38, 1-based): chr1:45,329,349, T>G on the plus strand (A>C on the coding strand, the complement: MUTYH is on the minus strand). VCF-style: chr1-45329349-T-G. GRCh37 (hg19) VCF-style: chr1-45795021-T-G.
Other names: c.1523A>C, p.His508Pro (NM_001048171.2, NM_001048173.2, NM_001293195.2 and 6 more transcripts); c.1526A>C, p.His509Pro (NM_001048172.2, NM_001407071.1, NM_001407078.1 and 1 more transcripts); c.1607A>C, p.His536Pro (NM_001128425.2); c.1568A>C, p.His523Pro (NM_001293190.2); c.1556A>C, p.His519Pro (NM_001293191.2, NM_001407069.1, NM_001407077.1); c.1247A>C, p.His416Pro (NM_001293192.2, NM_001293196.2, NM_001407091.1); c.1178A>C, p.His393Pro (NM_001350650.2, NM_001350651.2, NM_001407082.1); c.1439A>C, p.His480Pro (NM_001407075.1); and 5 more; short protein forms H480P, H508P, H515P, H522P, H533P, H509P, H519P, H523P.
Identifiers: ClinVar variation 3722362 (VCV003722362.3).
Genomic context (GRCh38, chr1:45,329,349, plus strand): 5'-GGGGGCTTTCAGAGGTGTCACTGGGCTGCACTGTTGAGGCTGTGTGCATCAGTGGAGATG[T>G]GAGACCGAAAGAAATTATCCAGGACTTGCTGGCCCATGCGGGGCTTTTTCCGACTGCACG-3'
Protein context (NP_001041639.1, residues 498-518): QQVLDNFFRS[His508Pro]ISTDAHSLNS

ClinVar aggregate classification (germline): Uncertain significance. Review status: criteria provided, multiple submitters, no conflicts (2 of 4 stars). 2 submissions from 2 submitters: Uncertain significance (2). Last evaluated 2025-08-27.

Conditions:
Familial adenomatous polyposis 2. Also called: COLORECTAL ADENOMATOUS POLYPOSIS, AUTOSOMAL RECESSIVE; ADENOMAS, MULTIPLE COLORECTAL, AUTOSOMAL RECESSIVE; MYH-associated polyposis; Adenomas, multiple colorectal; FAP type 2; MUTYH-associated polyposis. Identifiers: Orphanet 220460, Orphanet 247798, MedGen C3272841, MONDO:0012041, OMIM 608456.
Hereditary cancer-predisposing syndrome. Also called: Neoplastic Syndromes, Hereditary; Tumor predisposition; Hereditary Cancer Syndrome; Hereditary neoplastic syndrome. Identifiers: Orphanet 140162, MedGen C0027672, MeSH D009386, MONDO:0015356.

Submissions (2):

Ambry Genetics
Classification: Uncertain significance for Hereditary cancer-predisposing syndrome. Last evaluated: 2025-08-27. Review status: criteria provided, single submitter. Criteria: Ambry Variant Classification Scheme 2023. Collection method: clinical testing. Allele origin: germline.
Comment: The p.H536P variant (also known as c.1607A>C), located in coding exon 16 of the MUTYH gene, results from an A to C substitution at nucleotide position 1607. The histidine at codon 536 is replaced by proline, an amino acid with similar properties. This amino acid position is conserved. In addition, this alteration is predicted to be tolerated by in silico analysis. Based on the available evidence, the clinical significance of this variant remains unclear.

Labcorp Genetics (formerly Invitae), Labcorp
Classification: Uncertain significance for Familial adenomatous polyposis 2. Last evaluated: 2024-10-07. Review status: criteria provided, single submitter. Criteria: Invitae Variant Classification Sherloc (09022015). Collection method: clinical testing. Allele origin: germline.
Comment: This sequence change replaces histidine, which is basic and polar, with proline, which is neutral and non-polar, at codon 536 of the MUTYH protein (p.His536Pro). This variant is not present in population databases (gnomAD no frequency). This variant has not been reported in the literature in individuals affected with MUTYH-related conditions. An algorithm developed to predict the effect of missense changes on protein structure and function (PolyPhen-2) suggests that this variant is likely to be tolerated. In summary, the available evidence is currently insufficient to determine the role of this variant in disease. Therefore, it has been classified as a Variant of Uncertain Significance.